The following is an entry in ClinVar:

NM_002076.4(GNS):c.413C>A (p.Ser138Ter)

Gene: GNS (glucosamine (N-acetyl)-6-sulfatase; minus strand). Cytogenetic location: 12q14.3.
Variant type: single nucleotide variant.
Coding change: c.413C>A on transcript NM_002076.4 (MANE Select); coding-DNA position 413, C replaced by A.
Protein change: p.Ser138Ter; replaces serine 138 with a stop codon.
Molecular consequence: nonsense.
Genome position (GRCh38, 1-based): chr12:64,747,758, G>T on the plus strand (C>A on the coding strand, the complement: GNS is on the minus strand). VCF-style: chr12-64747758-G-T. GRCh37 (hg19) VCF-style: chr12-65141538-G-T.
Other names: short protein forms S138*.
Identifiers: ClinVar variation 2794860 (VCV002794860.3), dbSNP rs2539527781, ClinGen allele CA385610814.

ClinVar aggregate classification (germline): Pathogenic (1 of 4 stars; one submission).

Conditions:
Mucopolysaccharidosis, MPS-III-D (MPS3D). Also called: MPS IIID (Sanfilippo Syndrome Type D); N-ACETYLGLUCOSAMINE-6-SULFATASE DEFICIENCY; SANFILIPPO SYNDROME D; MPS III D; Mucopoly-saccharidosis type 3D; N-acetylglucosamine-6-sulfate sulfatase deficiency. Identifiers: Orphanet 581, Orphanet 79272, MedGen C0086650, MONDO:0009658, OMIM 252940.

Allele frequency attached by ClinVar (database versions not stated): gnomAD exomes below 0.00001.
gnomAD v4.1: 3 of 1,612,416 alleles (0.00019%); highest among the groups gnomAD compares: Non-Finnish European, 0.00025%; no homozygotes.

Submission:

Labcorp Genetics (formerly Invitae), Labcorp
Classification: Pathogenic for Mucopolysaccharidosis, MPS-III-D. Last evaluated: 2023-09-08. Review status: criteria provided, single submitter. Criteria: Invitae Variant Classification Sherloc (09022015). Collection method: clinical testing. Allele origin: germline.
Comment: For these reasons, this variant has been classified as Pathogenic. This variant has not been reported in the literature in individuals affected with GNS-related conditions. This variant is not present in population databases (gnomAD no frequency). This sequence change creates a premature translational stop signal (p.Ser138*) in the GNS gene. It is expected to result in an absent or disrupted protein product. Loss-of-function variants in GNS are known to be pathogenic (PMID: 20232353).

Literature cited by the submitters: PubMed 20232353.